The following is an entry in ClinVar:

ClinVar aggregate classification (germline): Likely benign. Review status: criteria provided, single submitter (1 of 4 stars). 2 submissions from 2 submitters: Likely benign (1). 1 of the submissions does not count toward it. Last evaluated 2025-03-04.

Conditions:
NEFH-related disorder. Also called: NEFH-related condition.

Allele frequency attached by ClinVar (database versions not stated): gnomAD exomes below 0.00001; gnomAD 0.00001; ExAC 0.00003; TOPMed 0.00003.
gnomAD v4.1: 7 of 1,613,834 alleles (0.00043%); highest among the groups gnomAD compares: East Asian, 0.0067%; no homozygotes.

Submissions (2):

Labcorp Genetics (formerly Invitae), Labcorp
Classification: Likely benign. Last evaluated: 2025-03-04. Review status: criteria provided, single submitter. Criteria: Invitae Variant Classification Sherloc (09022015). Collection method: clinical testing. Allele origin: germline.

PreventionGenetics, part of Exact Sciences
Classification: Likely benign for NEFH-related condition. Last evaluated: 2022-09-28. Review status: no assertion criteria provided. Collection method: clinical testing. Allele origin: germline. Not counted in ClinVar's aggregate classification.
Comment: This variant is classified as likely benign based on ACMG/AMP sequence variant interpretation guidelines (Richards et al. 2015 PMID: 25741868, with internal and published modifications).

NM_021076.4(NEFH):c.2382G>A (p.Lys794=)

Gene: NEFH (neurofilament heavy chain; plus strand). Cytogenetic location: 22q12.2.
Variant type: single nucleotide variant.
Coding change: c.2382G>A on transcript NM_021076.4 (MANE Select); coding-DNA position 2382, G replaced by A.
Protein change: p.Lys794=; no amino-acid change (lysine 794 retained).
Molecular consequence: synonymous variant.
Genome position (GRCh38, 1-based): chr22:29,490,022, G>A. VCF-style: chr22-29490022-G-A. GRCh37 (hg19) VCF-style: chr22-29886011-G-A.
Other names: c.2382G>A (NM_021076.3).
Identifiers: ClinVar variation 1944974 (VCV001944974.7), dbSNP rs774358079, ClinGen allele CA10174416.
Genomic context (GRCh38, chr22:29,490,022, plus strand): 5'-AAGGTCCCCTGCAGACAAATTCCCTGAAAAGGCCAAAAGCCCTGTCAAGGAGGAGGTCAA[G>A]TCCCCAGAGAAGGCGAAATCTCCCCTGAAGGAGGATGCCAAGGCCCCTGAGAAGGAGATC-3'
Protein context (NP_066554.2, residues 784-804): KAKSPVKEEV[Lys794=]SPEKAKSPLK